The following is an entry in ClinVar:

ClinVar aggregate classification (germline): Likely benign. Review status: criteria provided, single submitter (1 of 4 stars). 2 submissions from 2 submitters: Likely benign (1). 1 of the submissions does not count toward it. Last evaluated 2023-05-08.

Conditions:
HEMOGLOBIN G (MAKASSAR).

gnomAD v4.1: 1 of 1,610,694 alleles (0.000062%); highest among the groups gnomAD compares: Non-Finnish European, 0.000085%; no homozygotes.

Submissions (2):

Women's Health and Genetics/Laboratory Corporation of America, LabCorp
Classification: Likely benign. Last evaluated: 2023-05-08. Review status: criteria provided, single submitter. Criteria: LabCorp Variant Classification Summary - May 2015. Collection method: clinical testing. Allele origin: germline.
Comment: Variant summary: HBB c.20A>C (p.Glu7Ala), also known as the Hb G Makassar variant, results in a non-conservative amino acid change located in the Globin domain (IPR000971) of the encoded protein sequence. Four of five in-silico tools predict a benign effect of the variant on protein function. The variant was absent in 251180 control chromosomes (gnomAD). The available data on variant occurrences in the general population are insufficient to allow any conclusion about variant significance. However, c.20A>C has been reported in the literature in several healthy homozygous and heterozygous individuals, who were exclusively of Thai and Indonesian descent and identified as having abnormal hemoglobin bands through HPLC analysis, but were found to have normal blood test results and no clinical abnormalities (e.g., Blackwell_1970, Viprakasit_2002, Thongnoppakhun_2009, Saechan_2010, Sangkitporn_2002). In a compound heterozygous individual where a pathogenic variant was identified in trans, the individual only displayed a Beta-thalassemia minor phenotype (e.g., Viprakasit_2002). At least one publication reports experimental evidence evaluating an impact on protein function, showing that c.20A>C represents a benign variant that rescued the disease phenotype in a humanized mouse sickle cell model (e.g., Newby_2021). The following publications have been ascertained in the context of this evaluation (PMID: 1363932, 5509617, 34079130, 20838957, 12188388, 19460936, 12403489). One ClinVar submitter (evaluation after 2014) has cited the variant as other (in reference to Blackwell_1970 in which the variant was identified in a healthy heterozygous individual). Based on the evidence outlined above, the variant was classified as likely benign.

OMIM
Classification: other for HEMOGLOBIN G (MAKASSAR). Last evaluated: 2017-12-12. Review status: no assertion criteria provided. Collection method: literature only. Allele origin: germline. Not counted in ClinVar's aggregate classification.

Literature cited by the submitters: PubMed 12403489 (cited by Women's Health and Genetics/Laboratory Corporation of America, LabCorp); PubMed 5509617 (cited by Women's Health and Genetics/Laboratory Corporation of America, LabCorp); PubMed 19460936 (cited by Women's Health and Genetics/Laboratory Corporation of America, LabCorp); PubMed 20838957 (cited by Women's Health and Genetics/Laboratory Corporation of America, LabCorp); PubMed 1363932 (cited by Women's Health and Genetics/Laboratory Corporation of America, LabCorp); PubMed 34079130 (cited by Women's Health and Genetics/Laboratory Corporation of America, LabCorp); PubMed 12188388 (cited by Women's Health and Genetics/Laboratory Corporation of America, LabCorp); PubMed 5658717 (cited by OMIM).

NM_000518.4(HBB):c.20A>C (p.Glu7Ala)

Genes: HBB (hemoglobin subunit beta; minus strand), LOC106099062 (HBB recombination region; plus strand), LOC107133510 (origin of replication at HBB; plus strand). Cytogenetic location: 11p15.4.
Variant type: single nucleotide variant.
Coding change: c.20A>C on transcript NM_000518.4; coding-DNA position 20, A replaced by C.
Protein change: p.Glu7Ala; replaces glutamic acid 7 with alanine.
Molecular consequence: missense variant (on NM_000518.5).
Genome position (GRCh38, 1-based): chr11:5,227,002, T>G on the plus strand (A>C on the coding strand, the complement: HBB is on the minus strand). VCF-style: chr11-5227002-T-G. GRCh37 (hg19) VCF-style: chr11-5248232-T-G.
Other names: E6A; c.20A>C, p.Glu7Ala (NM_000518.5); short protein forms E7A.
Identifiers: ClinVar variation 15175 (VCV000015175.3), dbSNP rs334, ClinGen allele CA124861.